The following is an entry in ClinVar:

ClinVar aggregate classification (germline): Conflicting classifications of pathogenicity. Review status: criteria provided, conflicting classifications (1 of 4 stars). 5 submissions from 5 submitters: Uncertain significance (1); Likely benign (4). Last evaluated 2025-12-31.

Conditions:
Hereditary cancer-predisposing syndrome. Also called: Neoplastic Syndromes, Hereditary; Tumor predisposition; Hereditary Cancer Syndrome; Hereditary neoplastic syndrome. Identifiers: Orphanet 140162, MedGen C0027672, MeSH D009386, MONDO:0015356.
Hereditary breast ovarian cancer syndrome. Also called: Hereditary breast and ovarian cancer; Breast and ovarian cancer; Hereditary breast and ovarian cancer syndrome (HBOC); BRCA1- and BRCA2-Associated Hereditary Breast and Ovarian Cancer; Hereditary breast and ovarian cancer syndrome; Hereditary breast and/or ovarian cancer syndrome. Identifiers: Orphanet 145, MedGen C0677776, MeSH D061325, MONDO:0003582. Disease mechanism: loss of function.
Breast-ovarian cancer, familial, susceptibility to, 2 (BROVCA2). Also called: BRCA2 Hereditary Breast and Ovarian Cancer. Identifiers: Orphanet 145, MedGen C2675520, MONDO:0012933, OMIM 612555. Disease mechanism: loss of function.

Allele frequency attached by ClinVar (database versions not stated): gnomAD exomes below 0.00001.
gnomAD v4.1: 1 of 1,613,306 alleles (0.000062%); highest among the groups gnomAD compares: African/African-American, 0.0013%; no homozygotes.

Submissions (5):

Labcorp Genetics (formerly Invitae), Labcorp
Classification: Likely benign for Hereditary breast ovarian cancer syndrome. Last evaluated: 2025-12-31. Review status: criteria provided, single submitter. Criteria: Invitae Variant Classification Sherloc (09022015). Collection method: clinical testing. Allele origin: germline.

All of Us Research Program, National Institutes of Health
Classification: Likely benign for Breast-ovarian cancer, familial, susceptibility to, 2. Last evaluated: 2023-12-13. Review status: criteria provided, single submitter. Criteria: ACMG Guidelines, 2015. Collection method: clinical testing. Allele origin: germline. Inheritance: Autosomal dominant inheritance. Observed: 1 variant allele, 1 heterozygote.
Comment: This study involves interpretation of variants in research participants for the purpose of population health screening. Participant phenotype was not available at the time of variant classification. Additional details can be found in publication PMID: 35346344, PMCID: PMC8962531

Sema4
Classification: Uncertain significance for Hereditary cancer-predisposing syndrome. Last evaluated: 2021-11-30. Review status: criteria provided, single submitter. Criteria: Sema4 Curation Guidelines. Collection method: curation. Allele origin: germline.
Comment: The BRCA2 c.476-11T>C variant has not been reported in the literature to our knowledge. It was not observed in the large and broad cohorts of the Genome Aggregation Database (PMID: 32461654), but has been reported in ClinVar (Variation ID 516334). In silico tools suggest the variant may not disrupt normal splicing, though these predictions have not been confirmed by functional studies. There is no indication that this variant causes disease, but the evidence is insufficient currently to prove that conclusively. Thus, the clinical significance of this variant is currently uncertain.

GeneDx
Classification: Likely benign. Last evaluated: 2019-09-03. Review status: criteria provided, single submitter. Criteria: GeneDx Variant Classification Process June 2021. Collection method: clinical testing. Allele origin: germline. Affected: yes.

Color Diagnostics, LLC DBA Color Health
Classification: Likely benign for Hereditary cancer-predisposing syndrome. Last evaluated: 2018-04-03. Review status: criteria provided, single submitter. Criteria: ACMG Guidelines, 2015. Collection method: clinical testing. Allele origin: germline.

NM_000059.4(BRCA2):c.476-11T>C

Gene: BRCA2 (BRCA2 DNA repair associated; plus strand). Cytogenetic location: 13q13.1.
Variant type: single nucleotide variant.
Coding change: c.476-11T>C on transcript NM_000059.4 (MANE Select); 11 bases into the intron before coding-DNA position 476, T replaced by C.
Molecular consequence: intron variant.
Genome position (GRCh38, 1-based): chr13:32,326,231, T>C. VCF-style: chr13-32326231-T-C. GRCh37 (hg19) VCF-style: chr13-32900368-T-C.
Identifiers: ClinVar variation 516334 (VCV000516334.16), dbSNP rs1555280973, ClinGen allele CA658798099.